The following is an entry in ClinVar:

ClinVar aggregate classification (germline): Likely pathogenic (1 of 4 stars; one submission).

gnomAD v4.1: 12 of 1,584,990 alleles (0.00076%); highest among the groups gnomAD compares: Non-Finnish European, 0.00086%; no homozygotes.

Submission:

Labcorp Genetics (formerly Invitae), Labcorp
Classification: Likely pathogenic. Last evaluated: 2025-11-16. Review status: criteria provided, single submitter. Criteria: Invitae Variant Classification Sherloc (09022015). Collection method: clinical testing. Allele origin: germline.
Comment: This sequence change affects a donor splice site in intron 8 of the OTOGL gene. It is expected to disrupt RNA splicing. Variants that disrupt the donor or acceptor splice site typically lead to a loss of protein function (PMID: 16199547), and loss-of-function variants in OTOGL are known to be pathogenic (PMID: 23122586). This variant is not present in population databases (gnomAD no frequency). This variant has not been reported in the literature in individuals affected with OTOGL-related conditions. Algorithms developed to predict the effect of sequence changes on RNA splicing suggest that this variant may disrupt the consensus splice site. In summary, the currently available evidence indicates that the variant is pathogenic, but additional data are needed to prove that conclusively. Therefore, this variant has been classified as Likely Pathogenic.

Literature cited by the submitters: PubMed 16199547; PubMed 23122586.

NM_001378609.3(OTOGL):c.817+1G>T

Gene: OTOGL (otogelin like; plus strand). Cytogenetic location: 12q21.31.
Variant type: single nucleotide variant.
Coding change: c.817+1G>T on transcript NM_001378609.3 (MANE Select); the canonical splice donor site of the intron after coding-DNA position 817, G replaced by T.
Molecular consequence: splice donor variant.
Genome position (GRCh38, 1-based): chr12:80,233,098, G>T. VCF-style: chr12-80233098-G-T. GRCh37 (hg19) VCF-style: chr12-80626878-G-T.
Other names: c.817+1G>T (NM_001368062.3, NM_001378610.3, NM_173591.7).
Identifiers: ClinVar variation 4747627 (VCV004747627.1).